The following is an entry in ClinVar:

NM_002485.5(NBN):c.1484C>T (p.Pro495Leu)

Gene: NBN (nibrin; minus strand). Cytogenetic location: 8q21.3.
Variant type: single nucleotide variant.
Coding change: c.1484C>T on transcript NM_002485.5 (MANE Select); coding-DNA position 1484, C replaced by T.
Protein change: p.Pro495Leu; replaces proline 495 with leucine.
Molecular consequence: missense variant.
Genome position (GRCh38, 1-based): chr8:89,953,605, G>A on the plus strand (C>T on the coding strand, the complement: NBN is on the minus strand). VCF-style: chr8-89953605-G-A. GRCh37 (hg19) VCF-style: chr8-90965833-G-A.
Other names: c.1238C>T, p.Pro413Leu (NM_001024688.3); short protein forms P495L, P413L.
Identifiers: ClinVar variation 216564 (VCV000216564.34), dbSNP rs863224714, ClinGen allele CA337891.

ClinVar aggregate classification (germline): Uncertain significance. Review status: criteria provided, multiple submitters, no conflicts (2 of 4 stars). 9 submissions from 9 submitters: Uncertain significance (8). 1 of the submissions does not count toward it. Last evaluated 2025-08-11.

Conditions:
Hereditary cancer-predisposing syndrome. Also called: Tumor predisposition; Hereditary Cancer Syndrome; Neoplastic Syndromes, Hereditary; Hereditary neoplastic syndrome. Identifiers: Orphanet 140162, MedGen C0027672, MeSH D009386, MONDO:0015356.
Microcephaly, normal intelligence and immunodeficiency (NBS). Also called: Nijmegen breakage syndrome; Microcephaly with normal intelligence immunodeficiency and lymphoreticular malignancies; Nonsyndromal microcephaly autosomal recessive with normal intelligence; Seemanova syndrome 2; BERLIN BREAKAGE SYNDROME; IMMUNODEFICIENCY, MICROCEPHALY, AND CHROMOSOMAL INSTABILITY. Identifiers: Orphanet 647, MedGen C0398791, MONDO:0009623, OMIM 251260.
Aplastic anemia. Identifiers: Orphanet 182040, Orphanet 88, MedGen C0002874, MONDO:0015909, OMIM 609135, HP:0001915.

Allele frequency attached by ClinVar (database versions not stated): TOPMed 0.00002; gnomAD 0.00002.
gnomAD v4.1: 17 of 1,613,292 alleles (0.0011%); highest among the groups gnomAD compares: Non-Finnish European, 0.0014%; no homozygotes.

Submissions (9):

Labcorp Genetics (formerly Invitae), Labcorp
Classification: Uncertain significance for Microcephaly, normal intelligence and immunodeficiency. Last evaluated: 2025-08-11. Review status: criteria provided, single submitter. Criteria: Invitae Variant Classification Sherloc (09022015). Collection method: clinical testing. Allele origin: germline.
Comment: This sequence change replaces proline, which is neutral and non-polar, with leucine, which is neutral and non-polar, at codon 495 of the NBN protein (p.Pro495Leu). This variant is present in population databases (no rsID available, gnomAD 0.007%). This missense change has been observed in individual(s) with colorectal cancer (PMID: 27978560). ClinVar contains an entry for this variant (Variation ID: 216564). An algorithm developed to predict the effect of missense changes on protein structure and function (PolyPhen-2) suggests that this variant is likely to be disruptive. In summary, the available evidence is currently insufficient to determine the role of this variant in disease. Therefore, it has been classified as a Variant of Uncertain Significance.

Ambry Genetics
Classification: Uncertain significance for Hereditary cancer-predisposing syndrome. Last evaluated: 2025-05-05. Review status: criteria provided, single submitter. Criteria: Ambry Variant Classification Scheme 2023. Collection method: clinical testing. Allele origin: germline.
Comment: The p.P495L variant (also known as c.1484C>T), located in coding exon 11 of the NBN gene, results from a C to T substitution at nucleotide position 1484. The proline at codon 495 is replaced by leucine, an amino acid with similar properties. This amino acid position is well conserved in available vertebrate species. In addition, this alteration is predicted to be tolerated by in silico analysis. Since supporting evidence is limited at this time, the clinical significance of this alteration remains unclear.

Baylor Genetics
Classification: Uncertain significance for Aplastic anemia. Last evaluated: 2023-10-20. Review status: criteria provided, single submitter. Criteria: ACMG Guidelines, 2015. Collection method: clinical testing. Allele origin: unknown.

Quest Diagnostics Nichols Institute San Juan Capistrano
Classification: Uncertain significance. Last evaluated: 2022-12-22. Review status: criteria provided, single submitter. Criteria: Quest Diagnostics criteria. Collection method: clinical testing. Allele origin: unknown.
Comment: The frequency of this variant in the general population, 0.000032 (1/31372 chromosomes), is uninformative in assessment of its pathogenicity. This variant has been reported in an individual with colon cancer (PMID: 27978560 (2016)). In a large-scale breast cancer association study, the variant was observed in individuals with breast cancer (PMID: 33471991 (2021), see also LOVD). Analysis of this variant using bioinformatics tools for the prediction of the effect of amino acid changes on protein structure and function yielded conflicting predictions that this variant is benign or damaging. Based on the available information, we are unable to determine the clinical significance of this variant.

Women's Health and Genetics/Laboratory Corporation of America, LabCorp
Classification: Uncertain significance. Last evaluated: 2022-07-24. Review status: criteria provided, single submitter. Criteria: LabCorp Variant Classification Summary - May 2015. Collection method: clinical testing. Allele origin: germline.
Comment: Variant summary: NBN c.1484C>T (p.Pro495Leu) results in a non-conservative amino acid change in the encoded protein sequence. Three of five in-silico tools predict a damaging effect of the variant on protein function. The variant was absent in 250652 control chromosomes. The available data on variant occurrences in the general population are insufficient to allow any conclusion about variant significance. c.1484C>T has been reported in the literature as a VUS in at-least one mismatch repair (MMR) proficient individual from a cohort undergoing multigene panel testing for early onset colorectal cancer (example, Pearlman_2016). These report(s) do not provide unequivocal conclusions about association of the variant with Nijmegen Breakage Syndrome or NBN-related cancers. To our knowledge, no experimental evidence demonstrating an impact on protein function has been reported. Seven clinical diagnostic laboratories have submitted clinical-significance assessments for this variant to ClinVar after 2014 without evidence for independent evaluation. All laboratories classified the variant as uncertain significance. Based on the evidence outlined above, the variant was classified as uncertain significance.

GeneDx
Classification: Uncertain significance. Last evaluated: 2022-02-25. Review status: criteria provided, single submitter. Criteria: GeneDx Variant Classification Process June 2021. Collection method: clinical testing. Allele origin: germline. Affected: yes.
Comment: Not observed at a significant frequency in large population cohorts (gnomAD); In silico analysis supports that this missense variant has a deleterious effect on protein structure/function; Observed in individuals with colon cancer (Pearlman 2017); This variant is associated with the following publications: (PMID: 27978560)

Genome-Nilou Lab
Classification: Uncertain significance for Microcephaly, normal intelligence and immunodeficiency. Last evaluated: 2021-11-07. Review status: criteria provided, single submitter. Criteria: ACMG Guidelines, 2015. Collection method: clinical testing. Allele origin: germline. Affected: no.

Sema4
Classification: Uncertain significance for Hereditary cancer-predisposing syndrome. Last evaluated: 2021-04-14. Review status: criteria provided, single submitter. Criteria: Sema4 Curation Guidelines. Collection method: curation. Allele origin: germline.
Comment: The NBN c.1484C>T (p.P495L) variant has been reported in at least one individual with colorectal cancer (PMID: 27978560). It was observed in 1/15408 chromosomes of the Non-Finnish European subpopulation in the large and broad cohorts of the Genome Aggregation Database (PMID: 32461654). The variant has been reported in ClinVar (Variation ID: 216564). In silico tools suggest the impact of the variant on protein function is benign though these predictions have not been confirmed by functional studies. The evidence is insufficient to meet ACMG/AMP criteria for classifying the variant as benign or pathogenic. Thus, the clinical significance of this variant is currently uncertain.

Natera, Inc.
Classification: Uncertain significance for Nijmegen breakage syndrome. Last evaluated: 2020-09-03. Review status: no assertion criteria provided. Collection method: clinical testing. Allele origin: germline. Not counted in ClinVar's aggregate classification.

Literature cited by the submitters: PubMed 27978560 (cited by 5 submitters); PubMed 33471991 (cited by Quest Diagnostics Nichols Institute San Juan Capistrano).